The following is an entry in ClinVar:

NM_003500.4(ACOX2):c.466T>C (p.Leu156=)

Gene: ACOX2 (acyl-CoA oxidase 2; minus strand). Cytogenetic location: 3p14.3.
Variant type: single nucleotide variant.
Coding change: c.466T>C on transcript NM_003500.4 (MANE Select); coding-DNA position 466, T replaced by C.
Protein change: p.Leu156=; no amino-acid change (leucine 156 retained).
Molecular consequence: synonymous variant.
Genome position (GRCh38, 1-based): chr3:58,534,003, A>G on the plus strand (T>C on the coding strand, the complement: ACOX2 is on the minus strand). VCF-style: chr3-58534003-A-G. GRCh37 (hg19) VCF-style: chr3-58519730-A-G.
Identifiers: ClinVar variation 3029493 (VCV003029493.2), dbSNP rs763209788, ClinGen allele CA2472404.

ClinVar aggregate classification (germline): Likely benign (0 of 4 stars; one submission).

Conditions:
ACOX2-related disorder. Also called: ACOX2-related condition.

Allele frequency attached by ClinVar (database versions not stated): gnomAD 0.00001; gnomAD exomes 0.00001; ExAC 0.00002.
gnomAD v4.1: 15 of 1,613,600 alleles (0.00093%); highest among the groups gnomAD compares: South Asian, 0.0055%; no homozygotes.

Submission:

PreventionGenetics, part of Exact Sciences
Classification: Likely benign for ACOX2-related condition. Last evaluated: 2021-07-09. Review status: no assertion criteria provided. Collection method: clinical testing. Allele origin: germline.
Comment: This variant is classified as likely benign based on ACMG/AMP sequence variant interpretation guidelines (Richards et al. 2015 PMID: 25741868, with internal and published modifications).